The following is an entry in ClinVar:

NM_001318895.3(FHL2):c.731G>A (p.Trp244Ter)

Genes: C2orf49 (chromosome 2 open reading frame 49; plus strand), FHL2 (four and a half LIM domains 2; minus strand). Cytogenetic location: 2q12.2.
Variant type: single nucleotide variant.
Coding change: c.731G>A on transcript NM_001318895.3 (MANE Select); coding-DNA position 731, G replaced by A.
Protein change: p.Trp244Ter; replaces tryptophan 244 with a stop codon.
Molecular consequence: nonsense.
Genome position (GRCh38, 1-based): chr2:105,361,392, C>T on the plus strand (G>A on the coding strand, the complement: FHL2 is on the minus strand). VCF-style: chr2-105361392-C-T. GRCh37 (hg19) VCF-style: chr2-105977849-C-T.
Other names: c.731G>A, p.Trp244Ter (NM_001039492.3, NM_001318894.1, NM_001318896.2 and 4 more transcripts); c.389G>A, p.Trp130Ter (NM_001318897.2, NM_001318898.2); c.407G>A, p.Trp136Ter (NM_001318899.2); short protein forms W244*, W130*, W136*.
Identifiers: ClinVar variation 1433936 (VCV001433936.6), dbSNP rs2104477866, ClinGen allele CA347995409.

ClinVar aggregate classification (germline): Uncertain significance (1 of 4 stars; one submission).

Conditions:
Primary dilated cardiomyopathy (DCM). Also called: Dilated Cardiomyopathy. Identifiers: Orphanet 217604, MedGen C0007193, MeSH D002311, MONDO:0005021, HP:0001644. Inheritance: Various modes of inheritance.

Submission:

Labcorp Genetics (formerly Invitae), Labcorp
Classification: Uncertain significance for Primary dilated cardiomyopathy. Last evaluated: 2022-03-23. Review status: criteria provided, single submitter. Criteria: Invitae Variant Classification Sherloc (09022015). Collection method: clinical testing. Allele origin: germline.
Comment: This sequence change creates a premature translational stop signal (p.Trp244*) in the FHL2 gene. While this is not anticipated to result in nonsense mediated decay, it is expected to disrupt the last 36 amino acid(s) of the FHL2 protein. In summary, the available evidence is currently insufficient to determine the role of this variant in disease. Therefore, it has been classified as a Variant of Uncertain Significance. Experimental studies and prediction algorithms are not available or were not evaluated, and the functional significance of this variant is currently unknown. This variant has not been reported in the literature in individuals affected with FHL2-related conditions. This variant is not present in population databases (gnomAD no frequency).